The following is an entry in ClinVar:

NM_005188.4(CBL):c.1966G>T (p.Gly656Cys)

Gene: CBL (Cbl proto-oncogene; plus strand). Cytogenetic location: 11q23.3.
Variant type: single nucleotide variant.
Coding change: c.1966G>T on transcript NM_005188.4 (MANE Select); coding-DNA position 1966, G replaced by T.
Protein change: p.Gly656Cys; replaces glycine 656 with cysteine.
Molecular consequence: missense variant.
Genome position (GRCh38, 1-based): chr11:119,287,876, G>T. VCF-style: chr11-119287876-G-T. GRCh37 (hg19) VCF-style: chr11-119158586-G-T.
Other names: short protein forms G656C.
Identifiers: ClinVar variation 4800621 (VCV004800621.1).

ClinVar aggregate classification (germline): Uncertain significance (1 of 4 stars; one submission).

Conditions:
RASopathy. Also called: rasopathies; Noonan spectrum disorder. Identifiers: Orphanet 536391, MedGen C5555857, MONDO:0021060.

Submission:

Labcorp Genetics (formerly Invitae), Labcorp
Classification: Uncertain significance for RASopathy. Last evaluated: 2025-08-25. Review status: criteria provided, single submitter. Criteria: Invitae Variant Classification Sherloc (09022015). Collection method: clinical testing. Allele origin: germline.
Comment: This sequence change replaces glycine, which is neutral and non-polar, with cysteine, which is neutral and slightly polar, at codon 656 of the CBL protein (p.Gly656Cys). This variant is not present in population databases (gnomAD no frequency). This variant has not been reported in the literature in individuals affected with CBL-related conditions. Invitae Evidence Modeling of protein sequence and biophysical properties (such as structural, functional, and spatial information, amino acid conservation, physicochemical variation, residue mobility, and thermodynamic stability) indicates that this missense variant is not expected to disrupt CBL protein function with a negative predictive value of 95%. In summary, the available evidence is currently insufficient to determine the role of this variant in disease. Therefore, it has been classified as a Variant of Uncertain Significance.